The following is an entry in ClinVar:

ClinVar aggregate classification (germline): Likely benign (0 of 4 stars; one submission).

Conditions:
HOXA10-related disorder. Also called: HOXA10-related condition.

Allele frequency attached by ClinVar (database versions not stated): ExAC 0.00007.
gnomAD v4.1: 50 of 1,568,864 alleles (0.0032%); highest among the groups gnomAD compares: Middle Eastern, 0.043%; no homozygotes.

Submission:

PreventionGenetics, part of Exact Sciences
Classification: Likely benign for HOXA10-related condition. Last evaluated: 2019-02-21. Review status: no assertion criteria provided. Collection method: clinical testing. Allele origin: germline.
Comment: This variant is classified as likely benign based on ACMG/AMP sequence variant interpretation guidelines (Richards et al. 2015 PMID: 25741868, with internal and published modifications).

NM_018951.4(HOXA10):c.210C>T (p.Asp70=)

Genes: HOXA10 (homeobox A10; minus strand), HOXA10-HOXA9 (HOXA10-HOXA9 readthrough; minus strand). Cytogenetic location: 7p15.2.
Variant type: single nucleotide variant.
Coding change: c.210C>T on transcript NM_018951.4 (MANE Select); coding-DNA position 210, C replaced by T.
Protein change: p.Asp70=; no amino-acid change (aspartic acid 70 retained).
Molecular consequence: synonymous variant.
Genome position (GRCh38, 1-based): chr7:27,174,097, G>A on the plus strand (C>T on the coding strand, the complement: HOXA10 is on the minus strand). VCF-style: chr7-27174097-G-A. GRCh37 (hg19) VCF-style: chr7-27213716-G-A.
Identifiers: ClinVar variation 3047584 (VCV003047584.2), dbSNP rs753331027, ClinGen allele CA4198167.